The following is an entry in ClinVar:

NM_001378120.1(MBD5):c.2689G>T (p.Ala897Ser)

Gene: MBD5 (methyl-CpG binding domain protein 5; plus strand). Cytogenetic location: 2q23.1.
Variant type: single nucleotide variant.
Coding change: c.2689G>T on transcript NM_001378120.1 (MANE Select); coding-DNA position 2689, G replaced by T.
Protein change: p.Ala897Ser; replaces alanine 897 with serine.
Molecular consequence: missense variant.
Genome position (GRCh38, 1-based): chr2:148,483,280, G>T. VCF-style: chr2-148483280-G-T. GRCh37 (hg19) VCF-style: chr2-149240849-G-T.
Other names: c.2689G>T, p.Ala897Ser (NM_018328.5); short protein forms A897S.
Identifiers: ClinVar variation 206089 (VCV000206089.15), dbSNP rs778516851, ClinGen allele CA315834.

ClinVar aggregate classification (germline): Likely benign. Review status: criteria provided, multiple submitters, no conflicts (2 of 4 stars). 3 submissions from 3 submitters: Likely benign (3). Last evaluated 2026-09-01.

Conditions:
Inborn genetic diseases. Identifiers: MedGen C0950123, MeSH D030342.
Intellectual developmental disorder, autosomal dominant 1. Also called: Intellectual disability, autosomal dominant 1; MBD5 Haploinsufficiency. Identifiers: Orphanet 228402, MedGen C1969562, MONDO:0007974, OMIM 156200.

Allele frequency attached by ClinVar (database versions not stated): ExAC 0.00001; gnomAD 0.00001; gnomAD exomes 0.00001; TOPMed 0.00002.
gnomAD v4.1: 59 of 1,613,804 alleles (0.0037%); highest among the groups gnomAD compares: Non-Finnish European, 0.0048%; no homozygotes.

Submissions (3):

CeGaT Center for Human Genetics Tuebingen
Classification: Likely benign. Last evaluated: 2026-09-01. Review status: criteria provided, single submitter. Criteria: CeGaT Center For Human Genetics Tuebingen Variant Classification Criteria Version 2. Collection method: clinical testing. Allele origin: germline. Affected: yes. Observed: 1 variant allele.
Comment: MBD5: BP4

Labcorp Genetics (formerly Invitae), Labcorp
Classification: Likely benign for Intellectual developmental disorder, autosomal dominant 1. Last evaluated: 2025-05-21. Review status: criteria provided, single submitter. Criteria: Invitae Variant Classification Sherloc (09022015). Collection method: clinical testing. Allele origin: germline.

Ambry Genetics
Classification: Likely benign for Inborn genetic diseases. Last evaluated: 2021-12-13. Review status: criteria provided, single submitter. Criteria: Ambry Variant Classification Scheme 2023. Collection method: clinical testing. Allele origin: germline.